The following is an entry in ClinVar:

NM_014251.3(SLC25A13):c.849-4A>G

Gene: SLC25A13 (solute carrier family 25 member 13; minus strand). Cytogenetic location: 7q21.3.
Variant type: single nucleotide variant.
Coding change: c.849-4A>G on transcript NM_014251.3 (MANE Select); 4 bases into the intron before coding-DNA position 849, A replaced by G.
Molecular consequence: intron variant.
Genome position (GRCh38, 1-based): chr7:96,189,382, T>C on the plus strand (A>G on the coding strand, the complement: SLC25A13 is on the minus strand). VCF-style: chr7-96189382-T-C. GRCh37 (hg19) VCF-style: chr7-95818694-T-C.
Other names: c.849-4A>G (NM_001160210.2).
Identifiers: ClinVar variation 386284 (VCV000386284.16), dbSNP rs368491877, ClinGen allele CA4353118.

ClinVar aggregate classification (germline): Likely benign. Review status: criteria provided, multiple submitters, no conflicts (2 of 4 stars). 3 submissions from 3 submitters: Likely benign (2). 1 of the submissions does not count toward it. Last evaluated 2025-12-13.

Conditions:
SLC25A13-related disorder. Also called: SLC25A13-related condition.
Citrin deficiency. Identifiers: Orphanet 247582, MedGen C1997910, MONDO:0016602.

Allele frequency attached by ClinVar (database versions not stated): gnomAD 0.00011 and 0.00012; TOPMed 0.00011; ESP Exome Variant Server 0.00015; 1000 Genomes Project 0.00020; gnomAD exomes 0.00012 and 0.00026; ExAC 0.00012; 1000 Genomes Project 30x 0.00031.
gnomAD v4.1: 386 of 1,613,890 alleles (0.024%); highest among the groups gnomAD compares: Non-Finnish European, 0.031%; no homozygotes.

Submissions (4):

Labcorp Genetics (formerly Invitae), Labcorp
Classification: Likely benign for Citrin deficiency. Last evaluated: 2025-12-13. Review status: criteria provided, single submitter. Criteria: Invitae Variant Classification Sherloc (09022015). Collection method: clinical testing. Allele origin: germline.

GeneDx
Classification: Likely benign. Last evaluated: 2017-05-22. Review status: criteria provided, single submitter. Criteria: GeneDx Variant Classification (06012015). Collection method: clinical testing. Allele origin: germline. Affected: yes.
Comment: This variant is considered likely benign or benign based on one or more of the following criteria: it is a conservative change, it occurs at a poorly conserved position in the protein, it is predicted to be benign by multiple in silico algorithms, and/or has population frequency not consistent with disease.

PreventionGenetics, part of Exact Sciences
Classification: Likely benign for SLC25A13-related condition. Last evaluated: 2023-08-08. Review status: no assertion criteria provided. Collection method: clinical testing. Allele origin: germline. Not counted in ClinVar's aggregate classification.
Comment: This variant is classified as likely benign based on ACMG/AMP sequence variant interpretation guidelines (Richards et al. 2015 PMID: 25741868, with internal and published modifications).

Dr. Peter K. Rogan Lab, Western University
No classification provided (evidence only). Condition: Ovarian serous cystadenocarcinoma. Review status: no classification provided. Collection method: in vitro. Allele origin: not applicable. Functional consequence: retained intron. Not counted in ClinVar's aggregate classification.